The following is an entry in ClinVar:

ClinVar aggregate classification (germline): Likely benign. Review status: criteria provided, multiple submitters, no conflicts (2 of 4 stars). 3 submissions from 3 submitters: Likely benign (2). 1 of the submissions does not count toward it. Last evaluated 2026-01-21.

Conditions:
IL17RC-related disorder. Also called: IL17RC-related condition.
Candidiasis, familial, 9 (CANDF9). Identifiers: Orphanet 1334, MedGen C4225324, MONDO:0014642, OMIM 616445.

Allele frequency attached by ClinVar (database versions not stated): gnomAD exomes 0.00015 and 0.00024; ExAC 0.00021; gnomAD 0.00037 and 0.00039; TOPMed 0.00056; 1000 Genomes Project 30x 0.00078; 1000 Genomes Project 0.00080.
gnomAD v4.1: 303 of 1,614,094 alleles (0.019%); highest among the groups gnomAD compares: Admixed American, 0.14%; 1 homozygote.

Submissions (3):

Labcorp Genetics (formerly Invitae), Labcorp
Classification: Likely benign for Candidiasis, familial, 9. Last evaluated: 2026-01-21. Review status: criteria provided, single submitter. Criteria: Invitae Variant Classification Sherloc (09022015). Collection method: clinical testing. Allele origin: germline.

Blueprint Genetics
Classification: Likely benign. Last evaluated: 2024-08-13. Review status: criteria provided, single submitter. Criteria: ACMG Guidelines, 2015. Collection method: clinical testing. Allele origin: germline.

PreventionGenetics, part of Exact Sciences
Classification: Likely benign for IL17RC-related condition. Last evaluated: 2019-07-15. Review status: no assertion criteria provided. Collection method: clinical testing. Allele origin: germline. Not counted in ClinVar's aggregate classification.
Comment: This variant is classified as likely benign based on ACMG/AMP sequence variant interpretation guidelines (Richards et al. 2015 PMID: 25741868, with internal and published modifications).

NM_153460.4(IL17RC):c.105+12A>G

Gene: IL17RC (interleukin 17 receptor C; plus strand). Cytogenetic location: 3p25.3.
Variant type: single nucleotide variant.
Coding change: c.105+12A>G on transcript NM_153460.4 (MANE Select); 12 bases into the intron after coding-DNA position 105, A replaced by G.
Molecular consequence: intron variant. On other transcripts: synonymous variant (1).
Genome position (GRCh38, 1-based): chr3:9,917,432, A>G. VCF-style: chr3-9917432-A-G. GRCh37 (hg19) VCF-style: chr3-9959116-A-G.
Other names: c.117A>G, p.Glu39= (NM_153461.4); c.105+12A>G (NM_001203263.2, NM_001203264.2, NM_001367278.1 and 4 more transcripts).
Identifiers: ClinVar variation 719248 (VCV000719248.13), dbSNP rs201879409, ClinGen allele CA2246661.